The following is an entry in ClinVar:

ClinVar aggregate classification (germline): Uncertain significance (1 of 4 stars; one submission).

Submission:

Labcorp Genetics (formerly Invitae), Labcorp
Classification: Uncertain significance. Last evaluated: 2025-02-13. Review status: criteria provided, single submitter. Criteria: Invitae Variant Classification Sherloc (09022015). Collection method: clinical testing. Allele origin: germline.
Comment: This sequence change replaces leucine, which is neutral and non-polar, with proline, which is neutral and non-polar, at codon 121 of the ARMC9 protein (p.Leu121Pro). This variant is not present in population databases (gnomAD no frequency). This variant has not been reported in the literature in individuals affected with ARMC9-related conditions. Experimental studies and prediction algorithms are not available or were not evaluated, and the functional significance of this variant is currently unknown. In summary, the available evidence is currently insufficient to determine the role of this variant in disease. Therefore, it has been classified as a Variant of Uncertain Significance.

NM_001352754.2(ARMC9):c.362T>C (p.Leu121Pro)

Gene: ARMC9 (armadillo repeat containing 9; plus strand). Cytogenetic location: 2q37.1.
Variant type: single nucleotide variant.
Coding change: c.362T>C on transcript NM_001352754.2 (MANE Select); coding-DNA position 362, T replaced by C.
Protein change: p.Leu121Pro; replaces leucine 121 with proline.
Molecular consequence: missense variant. On other transcripts: non-coding transcript variant (1).
Genome position (GRCh38, 1-based): chr2:231,216,651, T>C. VCF-style: chr2-231216651-T-C. GRCh37 (hg19) VCF-style: chr2-232081364-T-C.
Other names: c.362T>C, p.Leu121Pro (NM_001271466.4, NM_001291656.2, NM_001352755.2 and 5 more transcripts); short protein forms L121P.
Identifiers: ClinVar variation 4713007 (VCV004713007.1).